The following is an entry in ClinVar:

ClinVar aggregate classification (germline): Benign/Likely benign. Review status: criteria provided, multiple submitters, no conflicts (2 of 4 stars). 13 submissions from 12 submitters: Benign (3); Likely benign (8). 2 of the submissions do not count toward it. Last evaluated 2026-04-01.

Conditions:
Qualitative or quantitative defects of delta-sarcoglycan. Identifiers: Orphanet 207070, MedGen C5680806, MONDO:0016144.
Cardiomyopathy (CMYO). Also called: Cardiomyopathies. Identifiers: Orphanet 167848, MedGen C0878544, MONDO:0004994, HP:0001638. Inheritance: Various modes of inheritance.
Autosomal recessive limb-girdle muscular dystrophy type 2F (LGMDR6). Also called: Muscular dystrophy limb-girdle with delta-sarcoglyan deficiency; MUSCULAR DYSTROPHY, LIMB-GIRDLE, AUTOSOMAL RECESSIVE 6. Identifiers: Orphanet 219, MedGen C1832525, MONDO:0011028, OMIM 601287. Disease mechanism: Affects gamma-sarcoglycan and also disrupts the integrity of the entire sarcoglycan complex..
Dilated cardiomyopathy 1L (CMD1L). Identifiers: Orphanet 154, MedGen C1847667, MONDO:0011702, OMIM 606685.

Allele frequency attached by ClinVar (database versions not stated): gnomAD 0.00004 and 0.00024; TOPMed 0.00011; 1000 Genomes Project 0.00140; 1000 Genomes Project 30x 0.00156.
gnomAD v4.1: 789 of 1,596,126 alleles (0.049%); highest among the groups gnomAD compares: South Asian, 0.71%; 12 homozygotes.

Submissions (13):

CeGaT Center for Human Genetics Tuebingen
Classification: Likely benign. Last evaluated: 2026-04-01. Review status: criteria provided, single submitter. Criteria: CeGaT Center For Human Genetics Tuebingen Variant Classification Criteria Version 2. Collection method: clinical testing. Allele origin: germline. Affected: yes. Observed: 1 variant allele.
Comment: SGCD: BS2

Labcorp Genetics (formerly Invitae), Labcorp
Classification: Benign for Autosomal recessive limb-girdle muscular dystrophy type 2F. Last evaluated: 2026-02-04. Review status: criteria provided, single submitter. Criteria: Invitae Variant Classification Sherloc (09022015). Collection method: clinical testing. Allele origin: germline.

Genome-Nilou Lab
Classification: Likely benign for Autosomal recessive limb-girdle muscular dystrophy type 2F. Last evaluated: 2023-02-08. Review status: criteria provided, single submitter. Criteria: ACMG Guidelines, 2015. Collection method: clinical testing. Allele origin: germline.

Genome-Nilou Lab
Classification: Likely benign for Dilated cardiomyopathy 1L. Last evaluated: 2023-02-08. Review status: criteria provided, single submitter. Criteria: ACMG Guidelines, 2015. Collection method: clinical testing. Allele origin: germline.

Women's Health and Genetics/Laboratory Corporation of America, LabCorp
Classification: Likely benign. Last evaluated: 2021-11-21. Review status: criteria provided, single submitter. Criteria: LabCorp Variant Classification Summary - May 2015. Collection method: clinical testing. Allele origin: germline.

GeneDx
Classification: Likely benign. Last evaluated: 2021-06-22. Review status: criteria provided, single submitter. Criteria: GeneDx Variant Classification Process June 2021. Collection method: clinical testing. Allele origin: germline. Affected: yes.
Comment: This variant is associated with the following publications: (PMID: 28144010, 27488758, 30564623)

ARUP Laboratories, Molecular Genetics and Genomics, ARUP Laboratories
Classification: Likely benign. Last evaluated: 2020-10-29. Review status: criteria provided, single submitter. Criteria: ARUP Molecular Germline Variant Investigation Process 2021. Collection method: clinical testing. Allele origin: germline.

CHEO Genetics Diagnostic Laboratory, Children's Hospital of Eastern Ontario
Classification: Benign for Cardiomyopathy. Last evaluated: 2018-03-09. Review status: criteria provided, single submitter. Criteria: ACMG Guidelines, 2015. Collection method: clinical testing. Allele origin: germline.

Illumina Laboratory Services, Illumina
Classification: Likely benign for Qualitative or quantitative defects of delta-sarcoglycan. Last evaluated: 2018-01-13. Review status: criteria provided, single submitter. Criteria: ICSL Variant Classification Criteria 13 December 2019. Collection method: clinical testing. Allele origin: germline.
Comment: This variant was observed in the ICSL laboratory as part of a predisposition screen in an ostensibly healthy population. It had not been previously curated by ICSL or reported in the Human Gene Mutation Database (HGMD: prior to June 1st, 2018), and was therefore a candidate for classification through an automated scoring system. Utilizing variant allele frequency, disease prevalence and penetrance estimates, and inheritance mode, an automated score was calculated to assess if this variant is too frequent to cause the disease. Based on the score and internal cut-off values, a variant classified as likely benign is not then subjected to further curation. The score for this variant resulted in a classification of likely benign for this disease.

Eurofins Ntd Llc (ga)
Classification: Benign. Last evaluated: 2016-01-22. Review status: criteria provided, single submitter. Criteria: EGL Classification Definitions 2015. Collection method: clinical testing. Allele origin: germline. Observed: 1 variant allele, 1 heterozygote.

Breakthrough Genomics
Classification: Likely benign. Review status: criteria provided, single submitter. Criteria: ACMG Guidelines, 2015. Collection method: not provided. Allele origin: germline. Inheritance: Autosomal recessive inheritance. Affected: yes.

Clinical Genetics DNA and cytogenetics Diagnostics Lab, Erasmus MC, Erasmus Medical Center
Classification: Likely benign. Review status: no assertion criteria provided. Collection method: clinical testing. Allele origin: germline. Affected: yes. Study: VKGL Data-share Consensus. Not counted in ClinVar's aggregate classification.

Genome Diagnostics Laboratory, University Medical Center Utrecht
Classification: Likely benign. Review status: no assertion criteria provided. Collection method: clinical testing. Allele origin: germline. Affected: yes. Study: VKGL Data-share Consensus. Not counted in ClinVar's aggregate classification.

NM_000337.6(SGCD):c.15G>C (p.Glu5Asp)

Gene: SGCD (sarcoglycan delta; plus strand). Cytogenetic location: 5q33.3.
Variant type: single nucleotide variant.
Coding change: c.15G>C on transcript NM_000337.6 (MANE Select); coding-DNA position 15, G replaced by C.
Protein change: p.Glu5Asp; replaces glutamic acid 5 with aspartic acid.
Molecular consequence: missense variant.
Genome position (GRCh38, 1-based): chr5:156,344,500, G>C. VCF-style: chr5-156344500-G-C. GRCh37 (hg19) VCF-style: chr5-155771510-G-C.
Other names: p.E5D:GAG>GAC; c.12G>C, p.Glu4Asp (NM_001128209.2); c.15G>C, p.Glu5Asp (NM_172244.3); short protein forms E5D, E4D.
Identifiers: ClinVar variation 202085 (VCV000202085.32), dbSNP rs549319429, ClinGen allele CA308779.
Genomic context (GRCh38, chr5:156,344,500, plus strand): 5'-CTCTCAGCGGTTTAATGTGAGTGCTTCTCTCTTGCCTCGTTTATTTCAGATGCCTCAGGA[G>C]CAGTACACTCACCACCGGAGCACCATGCCTGGCTCTGTGGGGCCACAGGTATACAAGGTG-3'
Protein context (NP_000328.2, residues 1-15): MMPQ[Glu5Asp]QYTHHRSTMP